The following is an entry in ClinVar:

ClinVar aggregate classification (germline): Benign. Review status: criteria provided, multiple submitters, no conflicts (2 of 4 stars). 3 submissions from 3 submitters: Benign (3). Last evaluated 2026-02-02.

Conditions:
Retinitis pigmentosa (RP). Identifiers: Orphanet 791, MedGen C0035334, MeSH D012174, MONDO:0019200, OMIM 268000. Inheritance: Autosomal dominant, autosomal recessive and X linked inheritance.

Allele frequency attached by ClinVar (database versions not stated): ESP Exome Variant Server 0.03286; TOPMed 0.03707; 1000 Genomes Project 0.03794; 1000 Genomes Project 30x 0.03904.
gnomAD v4.1: 9,934 of 1,614,124 alleles (0.62%); highest among the groups gnomAD compares: African/African-American, 12%; 508 homozygotes.

Submissions (3):

Labcorp Genetics (formerly Invitae), Labcorp
Classification: Benign. Last evaluated: 2026-02-02. Review status: criteria provided, single submitter. Criteria: Invitae Variant Classification Sherloc (09022015). Collection method: clinical testing. Allele origin: germline.

Illumina Laboratory Services, Illumina
Classification: Benign for Retinitis pigmentosa. Last evaluated: 2018-01-13. Review status: criteria provided, single submitter. Criteria: ICSL Variant Classification Criteria 13 December 2019. Collection method: clinical testing. Allele origin: germline.
Comment: This variant was observed in the ICSL laboratory as part of a predisposition screen in an ostensibly healthy population. It had not been previously curated by ICSL or reported in the Human Gene Mutation Database (HGMD: prior to June 1st, 2018), and was therefore a candidate for classification through an automated scoring system. Utilizing variant allele frequency, disease prevalence and penetrance estimates, and inheritance mode, an automated score was calculated to assess if this variant is too frequent to cause the disease. Based on the score and internal cut-off values, a variant classified as benign is not then subjected to further curation. The score for this variant resulted in a classification of benign for this disease.

Breakthrough Genomics
Classification: Benign. Review status: criteria provided, single submitter. Criteria: ACMG Guidelines, 2015. Collection method: not provided. Allele origin: germline. Inheritance: Autosomal recessive inheritance. Affected: yes.

NM_001297.5(CNGB1):c.257G>A (p.Arg86Gln)

Gene: CNGB1 (cyclic nucleotide gated channel subunit beta 1; minus strand). Cytogenetic location: 16q21.
Variant type: single nucleotide variant.
Coding change: c.257G>A on transcript NM_001297.5 (MANE Select); coding-DNA position 257, G replaced by A.
Protein change: p.Arg86Gln; replaces arginine 86 with glutamine.
Molecular consequence: missense variant.
Genome position (GRCh38, 1-based): chr16:57,964,163, C>T on the plus strand (G>A on the coding strand, the complement: CNGB1 is on the minus strand). VCF-style: chr16-57964163-C-T. GRCh37 (hg19) VCF-style: chr16-57998067-C-T.
Other names: c.257G>A, p.Arg86Gln (NM_001135639.2, NM_001286130.2); short protein forms R86Q.
Identifiers: ClinVar variation 320111 (VCV000320111.16), dbSNP rs8055343, ClinGen allele CA8083928.